The following is an entry in ClinVar:

NM_001080467.3(MYO5B):c.2506C>T (p.Arg836Cys)

Gene: MYO5B (myosin VB; minus strand). Cytogenetic location: 18q21.1.
Variant type: single nucleotide variant.
Coding change: c.2506C>T on transcript NM_001080467.3 (MANE Select); coding-DNA position 2506, C replaced by T.
Protein change: p.Arg836Cys; replaces arginine 836 with cysteine.
Molecular consequence: missense variant.
Genome position (GRCh38, 1-based): chr18:49,904,737, G>A on the plus strand (C>T on the coding strand, the complement: MYO5B is on the minus strand). VCF-style: chr18-49904737-G-A. GRCh37 (hg19) VCF-style: chr18-47431107-G-A.
Other names: short protein forms R836C.
Identifiers: ClinVar variation 889102 (VCV000889102.17), dbSNP rs569933953, ClinGen allele CA8961054.

ClinVar aggregate classification (germline): Conflicting classifications of pathogenicity. Review status: criteria provided, conflicting classifications (1 of 4 stars). 4 submissions from 4 submitters: Uncertain significance (2); Likely benign (2). Last evaluated 2026-03-10.

Conditions:
MYO5B-related disorder. Also called: MYO5B-related condition.
Congenital microvillous atrophy (DIAR2). Also called: Diarrhea 2 with microvillus atrophy, with or without cholestasis; Microvillus inclusion disease; CONGENITAL FAMILIAL PROTRACTED DIARRHEA WITH ENTEROCYTE BRUSH-BORDER ABNORMALITIES; DAVIDSON DISEASE; MICROVILLUS ATROPHY, CONGENITAL. Identifiers: Orphanet 2290, MedGen C0341306, MONDO:0009635, OMIM 251850.

Allele frequency attached by ClinVar (database versions not stated): gnomAD 0.00003 and 0.00007; TOPMed 0.00006; gnomAD exomes 0.00026; ExAC 0.00033; 1000 Genomes Project 0.00080; 1000 Genomes Project 30x 0.00094.
gnomAD v4.1: 176 of 1,614,014 alleles (0.011%); highest among the groups gnomAD compares: South Asian, 0.17%; 1 homozygote.

Submissions (4):

PreventionGenetics, part of Exact Sciences
Classification: Likely benign for MYO5B-related condition. Last evaluated: 2026-03-10. Review status: criteria provided, single submitter. Criteria: ACMG Guidelines, 2015. Collection method: clinical testing. Allele origin: germline.
Comment: This variant is classified as likely benign based on ACMG/AMP sequence variant interpretation guidelines (Richards et al. 2015 PMID: 25741868, with internal and published modifications).

Labcorp Genetics (formerly Invitae), Labcorp
Classification: Likely benign. Last evaluated: 2025-12-01. Review status: criteria provided, single submitter. Criteria: Invitae Variant Classification Sherloc (09022015). Collection method: clinical testing. Allele origin: germline.

Blueprint Genetics
Classification: Uncertain significance. Last evaluated: 2021-04-07. Review status: criteria provided, single submitter. Criteria: ACMG Guidelines, 2015. Collection method: clinical testing. Allele origin: germline.

Illumina Laboratory Services, Illumina
Classification: Uncertain significance for Congenital microvillous atrophy. Last evaluated: 2018-01-13. Review status: criteria provided, single submitter. Criteria: ICSL Variant Classification Criteria 13 December 2019. Collection method: clinical testing. Allele origin: germline.